The following is an entry in ClinVar:

ClinVar aggregate classification (germline): Pathogenic. Review status: criteria provided, multiple submitters, no conflicts (2 of 4 stars). 5 submissions from 5 submitters: Pathogenic (4). 1 of the submissions does not count toward it. Last evaluated 2024-02-13.

Conditions:
Sphingomyelin/cholesterol lipidosis. Also called: Niemann-Pick disease. Identifiers: MedGen C0028064, MONDO:0001982.
Niemann-Pick disease, type A. Also called: SPHINGOMYELIN LIPIDOSIS; SPHINGOMYELINASE DEFICIENCY; Infantile Neurovisceral ASMD (Niemann-Pick Disease Type A; NPD-A). Identifiers: Orphanet 77292, MedGen C0268242, MONDO:0009756, OMIM 257200. Disease mechanism: loss of function.

Submissions (5):

Baylor Genetics
Classification: Pathogenic for Niemann-Pick disease, type A. Last evaluated: 2024-02-13. Review status: criteria provided, single submitter. Criteria: ACMG Guidelines, 2015. Collection method: clinical testing. Allele origin: unknown.

Clinical Genetics Laboratory, Skane University Hospital Lund
Classification: Pathogenic. Last evaluated: 2023-08-22. Review status: criteria provided, single submitter. Criteria: ACMG Guidelines, 2015. Collection method: clinical testing. Allele origin: germline. Affected: yes.

Revvity Omics, Revvity
Classification: Pathogenic. Last evaluated: 2020-10-01. Review status: criteria provided, single submitter. Criteria: ACMG Guidelines, 2015. Collection method: clinical testing. Allele origin: germline.

Broad Center for Mendelian Genomics, Broad Institute of MIT and Harvard
Classification: Pathogenic for Sphingomyelin/cholesterol lipidosis. Last evaluated: 2020-01-22. Review status: criteria provided, single submitter. Criteria: ACMG Guidelines, 2015. Collection method: curation. Allele origin: germline. Inheritance: Autosomal recessive inheritance.
Comment: The p.Gly244Ter variant in SMPD1 (also known as p.Gly242Ter due to a difference in cDNA numbering) has been reported in 1 individual with Niemann-Pick disease (PMID: 29966168) and was absent from large population studies and no high quality genotypes at this site were noted to include this variant. This variant has been reported in ClinVar (VariationID: 370798) as likely pathogenic by Counsyl. This nonsense variant leads to a premature termination codon at position 244, which is predicted to lead to a truncated or absent protein. Loss of function of the SMPD1 gene is an established disease mechanism in autosomal recessive Niemann-Pick disease. The phenotype of an individual compound heterozygous for this variant is highly specific for Niemann-Pick disease based on acid sphingomyelinase activity being <10% of normal, consistent with disease (PMID: 29966168). In summary, this variant meets criteria to be classified as pathogenic for Niemann-Pick disease in an autosomal recessive manner based on the prediction it causes loss of function, its absence in the general population, and the phenotype of an individual with the variant being highly specific for the disease. ACMG/AMP Criteria applied: PVS1, PM2_Supporting, PP4 (Richards 2015).

Counsyl
Classification: Likely pathogenic for Niemann-Pick disease, type A. Last evaluated: 2016-04-14. Review status: no assertion criteria provided. Collection method: clinical testing. Allele origin: unknown. Not counted in ClinVar's aggregate classification.

Literature cited by the submitters: PubMed 29966168 (cited by Broad Center for Mendelian Genomics, Broad Institute of MIT and Harvard).

NM_000543.5(SMPD1):c.730G>T (p.Gly244Ter)

Gene: SMPD1 (sphingomyelin phosphodiesterase 1; plus strand). Cytogenetic location: 11p15.4.
Variant type: single nucleotide variant.
Coding change: c.730G>T on transcript NM_000543.5 (MANE Select); coding-DNA position 730, G replaced by T.
Protein change: p.Gly244Ter; replaces glycine 244 with a stop codon.
Molecular consequence: nonsense. On other transcripts: 5 prime UTR variant (1), non-coding transcript variant (1).
Genome position (GRCh38, 1-based): chr11:6,391,795, G>T. VCF-style: chr11-6391795-G-T. GRCh37 (hg19) VCF-style: chr11-6413025-G-T.
Other names: c.727G>T, p.Gly243Ter (NM_001007593.3); c.730G>T, p.Gly244Ter (NM_001318087.2, NM_001365135.2); c.-232G>T (NM_001318088.2); short protein forms G244*, G243*.
Identifiers: ClinVar variation 370798 (VCV000370798.11), dbSNP rs120074122, ClinGen allele CA16041481.